The following is an entry in ClinVar:

NM_014845.6(FIG4):c.2036G>A (p.Arg679Gln)

Gene: FIG4 (FIG4 phosphoinositide 5-phosphatase; plus strand). Cytogenetic location: 6q21.
Variant type: single nucleotide variant.
Coding change: c.2036G>A on transcript NM_014845.6 (MANE Select); coding-DNA position 2036, G replaced by A.
Protein change: p.Arg679Gln; replaces arginine 679 with glutamine.
Molecular consequence: missense variant.
Genome position (GRCh38, 1-based): chr6:109,786,389, G>A. VCF-style: chr6-109786389-G-A. GRCh37 (hg19) VCF-style: chr6-110107592-G-A.
Other names: short protein forms R679Q.
Identifiers: ClinVar variation 567329 (VCV000567329.8), dbSNP rs192447225, ClinGen allele CA145177633.

ClinVar aggregate classification (germline): Uncertain significance. Review status: criteria provided, multiple submitters, no conflicts (2 of 4 stars). 3 submissions from 3 submitters: Uncertain significance (3). Last evaluated 2026-02-10.

Conditions:
Inborn genetic diseases. Identifiers: MedGen C0950123, MeSH D030342.
FIG4-related disorder. Also called: FIG4-related condition; FIG4-related disorders.
Charcot-Marie-Tooth disease type 4. Also called: Charcot-Marie-Tooth disease, type IV; Charcot-Marie-Tooth, Type 4. Identifiers: Orphanet 64749, MedGen C4082197, MONDO:0018995.

Allele frequency attached by ClinVar (database versions not stated): gnomAD 0.00001 and 0.00002; gnomAD exomes 0.00001; TOPMed 0.00002; 1000 Genomes Project 30x 0.00016; 1000 Genomes Project 0.00020.

Submissions (3):

PreventionGenetics, part of Exact Sciences
Classification: Uncertain significance for FIG4-related condition. Last evaluated: 2026-02-10. Review status: criteria provided, single submitter. Criteria: ACMG Guidelines, 2015. Collection method: clinical testing. Allele origin: germline.
Comment: The FIG4 c.2036G>A variant is predicted to result in the amino acid substitution p.Arg679Gln. To our knowledge, this variant has not been reported in the literature. This variant is reported in 0.0062% of alleles in individuals of African descent in gnomAD. At this time, the clinical significance of this variant is uncertain due to the absence of conclusive functional and genetic evidence.

Ambry Genetics
Classification: Uncertain significance for Inborn genetic diseases. Last evaluated: 2025-08-12. Review status: criteria provided, single submitter. Criteria: Ambry Variant Classification Scheme 2023. Collection method: clinical testing. Allele origin: germline.

Labcorp Genetics (formerly Invitae), Labcorp
Classification: Uncertain significance for Charcot-Marie-Tooth disease type 4. Last evaluated: 2022-08-23. Review status: criteria provided, single submitter. Criteria: Invitae Variant Classification Sherloc (09022015). Collection method: clinical testing. Allele origin: germline.
Comment: In summary, the available evidence is currently insufficient to determine the role of this variant in disease. Therefore, it has been classified as a Variant of Uncertain Significance. Algorithms developed to predict the effect of missense changes on protein structure and function (SIFT, PolyPhen-2, Align-GVGD) all suggest that this variant is likely to be tolerated. ClinVar contains an entry for this variant (Variation ID: 567329). This variant has not been reported in the literature in individuals affected with FIG4-related conditions. This variant is present in population databases (rs192447225, gnomAD 0.007%). This sequence change replaces arginine, which is basic and polar, with glutamine, which is neutral and polar, at codon 679 of the FIG4 protein (p.Arg679Gln).